The following is an entry in ClinVar:

NM_018668.5(VPS33B):c.456G>T (p.Leu152=)

Gene: VPS33B (VPS33B late endosome and lysosome associated; minus strand). Cytogenetic location: 15q26.1.
Variant type: single nucleotide variant.
Coding change: c.456G>T on transcript NM_018668.5 (MANE Select); coding-DNA position 456, G replaced by T.
Protein change: p.Leu152=; no amino-acid change (leucine 152 retained).
Molecular consequence: synonymous variant.
Genome position (GRCh38, 1-based): chr15:91,007,912, C>A on the plus strand (G>T on the coding strand, the complement: VPS33B is on the minus strand). VCF-style: chr15-91007912-C-A. GRCh37 (hg19) VCF-style: chr15-91551142-C-A.
Other names: c.375G>T, p.Leu125= (NM_001289148.1); c.183G>T, p.Leu61= (NM_001289149.1).
Identifiers: ClinVar variation 594059 (VCV000594059.11), dbSNP rs997425993, ClinGen allele CA274753920.

ClinVar aggregate classification (germline): Conflicting classifications of pathogenicity. Review status: criteria provided, conflicting classifications (1 of 4 stars). 3 submissions from 3 submitters: Uncertain significance (1); Likely benign (1). 1 of the submissions does not count toward it. Last evaluated 2018-10-23.

Conditions:
VPS33B-related disorder. Also called: VPS33B-related condition.

Allele frequency attached by ClinVar (database versions not stated): gnomAD exomes below 0.00001 and 0.00001; TOPMed below 0.00001.
gnomAD v4.1: 10 of 1,614,208 alleles (0.00062%); highest among the groups gnomAD compares: East Asian, 0.0045%; no homozygotes.

Submissions (3):

Labcorp Genetics (formerly Invitae), Labcorp
Classification: Likely benign. Last evaluated: 2018-10-23. Review status: criteria provided, single submitter. Criteria: Invitae Variant Classification Sherloc (09022015). Collection method: clinical testing. Allele origin: germline.

Eurofins Ntd Llc (ga)
Classification: Uncertain significance. Last evaluated: 2017-09-12. Review status: criteria provided, single submitter. Criteria: EGL Classification Definitions 2015. Collection method: clinical testing. Allele origin: germline. Observed: 1 variant allele, 1 heterozygote.

PreventionGenetics, part of Exact Sciences
Classification: Likely benign for VPS33B-related condition. Last evaluated: 2019-05-28. Review status: no assertion criteria provided. Collection method: clinical testing. Allele origin: germline. Not counted in ClinVar's aggregate classification.
Comment: This variant is classified as likely benign based on ACMG/AMP sequence variant interpretation guidelines (Richards et al. 2015 PMID: 25741868, with internal and published modifications).